The following is an entry in ClinVar:

ClinVar aggregate classification (germline): Likely pathogenic (1 of 4 stars; one submission).

Allele frequency attached by ClinVar (database versions not stated): gnomAD exomes below 0.00001.
gnomAD v4.1: 3 of 1,614,060 alleles (0.00019%); highest among the groups gnomAD compares: Non-Finnish European, 0.00017%; no homozygotes.

Submission:

GeneDx
Classification: Likely pathogenic. Last evaluated: 2025-02-13. Review status: criteria provided, single submitter. Criteria: GeneDx Variant Classification Process June 2021. Collection method: clinical testing. Allele origin: germline.
Comment: Nonsense variant predicted to result in protein truncation, as the last 83 amino acid(s) are lost, and other loss-of-function variants have been reported downstream in HGMD; Not observed at significant frequency in large population cohorts (gnomAD); Has not been previously published as pathogenic or benign to our knowledge

NM_001080517.3(SETD5):c.4079C>G (p.Ser1360Ter)

Gene: SETD5 (SET domain containing 5; plus strand). Cytogenetic location: 3p25.3.
Variant type: single nucleotide variant.
Coding change: c.4079C>G on transcript NM_001080517.3 (MANE Select); coding-DNA position 4079, C replaced by G.
Protein change: p.Ser1360Ter; replaces serine 1360 with a stop codon.
Molecular consequence: nonsense.
Genome position (GRCh38, 1-based): chr3:9,475,841, C>G. VCF-style: chr3-9475841-C-G. GRCh37 (hg19) VCF-style: chr3-9517525-C-G.
Other names: c.3785C>G, p.Ser1262Ter (NM_001292043.2, NM_001349451.2); short protein forms S1262*, S1360*.
Identifiers: ClinVar variation 3253084 (VCV003253084.2), dbSNP rs2473989143.